The following is an entry in ClinVar:

ClinVar aggregate classification (germline): Uncertain significance (1 of 4 stars; one submission).

Conditions:
Camptomelic dysplasia (CMPD). Also called: Campomelic Dysplasia; CMPD1/SRA1. Identifiers: Orphanet 140, MedGen C1861922, MONDO:0007251, OMIM 114290.

Allele frequency attached by ClinVar (database versions not stated): gnomAD exomes below 0.00001; TOPMed below 0.00001; gnomAD 0.00001; ExAC 0.00002.

Submission:

Labcorp Genetics (formerly Invitae), Labcorp
Classification: Uncertain significance for Camptomelic dysplasia. Last evaluated: 2024-09-06. Review status: criteria provided, single submitter. Criteria: Invitae Variant Classification Sherloc (09022015). Collection method: clinical testing. Allele origin: germline.
Comment: This sequence change falls in intron 1 of the SOX9 gene. It does not directly change the encoded amino acid sequence of the SOX9 protein. This variant is present in population databases (rs779263262, gnomAD 0.01%). This variant has not been reported in the literature in individuals affected with SOX9-related conditions. Algorithms developed to predict the effect of sequence changes on RNA splicing suggest that this variant may create or strengthen a splice site. In summary, the available evidence is currently insufficient to determine the role of this variant in disease. Therefore, it has been classified as a Variant of Uncertain Significance.

NM_000346.4(SOX9):c.432-6del

Gene: SOX9 (SRY-box transcription factor 9; plus strand). Cytogenetic location: 17q24.3.
Variant type: Deletion.
Coding change: c.432-6del on transcript NM_000346.4 (MANE Select); 6 bases into the intron before coding-DNA position 432, one base deleted (G; older notation c.432-6delG).
Molecular consequence: intron variant.
Genome position (GRCh38, 1-based): chr17:72,122,713, G deleted. VCF-style (leftmost placement, unchanged base first): chr17-72122712-CG-C. GRCh37 (hg19) VCF-style: chr17-70118853-CG-C.
Identifiers: ClinVar variation 2982789 (VCV002982789.3), dbSNP rs779263262, ClinGen allele CA8738925.